The following is an entry in ClinVar:

NM_078470.6(COX15):c.73G>A (p.Ala25Thr)

Genes: COX15 (cytochrome c oxidase assembly factor COX15; minus strand), LOC130004506 (ATAC-STARR-seq lymphoblastoid active region 3872; plus strand). Cytogenetic location: 10q24.2.
Variant type: single nucleotide variant.
Coding change: c.73G>A on transcript NM_078470.6 (MANE Select); coding-DNA position 73, G replaced by A.
Protein change: p.Ala25Thr; replaces alanine 25 with threonine.
Molecular consequence: missense variant. On other transcripts: 5 prime UTR variant (1), non-coding transcript variant (1).
Genome position (GRCh38, 1-based): chr10:99,731,977, C>T on the plus strand (G>A on the coding strand, the complement: COX15 is on the minus strand). VCF-style: chr10-99731977-C-T. GRCh37 (hg19) VCF-style: chr10-101491734-C-T.
Other names: c.73G>A, p.Ala25Thr (NM_001320974.2, NM_001320975.2, NM_001372024.1 and 5 more transcripts); c.-382G>A (NM_001320976.2); short protein forms A25T.
Identifiers: ClinVar variation 2014341 (VCV002014341.4), dbSNP rs747288608, ClinGen allele CA378090851.
Genomic context (GRCh38, chr10:99,731,977, plus strand): 5'-CCATCCCCGCTCCCGCGACTCGGAGTCCGCTGCAGTGCGGTACCTGTGCTCTAGGCGCTG[C>T]CCTAGGAGCCAGGAGCGGCAGATACTGCCTCCCCTTCAAGGCCCTCAACGGCGGAAAGAG-3'
Protein context (NP_510870.1, residues 15-35): RQYLPLLAPR[Ala25Thr]APRAQCDCIR

ClinVar aggregate classification (germline): Uncertain significance (1 of 4 stars; one submission).

Allele frequency attached by ClinVar (database versions not stated): gnomAD 0.00001.
gnomAD v4.1: 1 of 1,611,692 alleles (0.000062%); highest among the groups gnomAD compares: African/African-American, 0.0013%; no homozygotes.

Submission:

Labcorp Genetics (formerly Invitae), Labcorp
Classification: Uncertain significance. Last evaluated: 2022-07-06. Review status: criteria provided, single submitter. Criteria: Invitae Variant Classification Sherloc (09022015). Collection method: clinical testing. Allele origin: germline.
Comment: This variant has not been reported in the literature in individuals affected with COX15-related conditions. This variant is not present in population databases (gnomAD no frequency). This sequence change replaces alanine, which is neutral and non-polar, with threonine, which is neutral and polar, at codon 25 of the COX15 protein (p.Ala25Thr). In summary, the available evidence is currently insufficient to determine the role of this variant in disease. Therefore, it has been classified as a Variant of Uncertain Significance. Algorithms developed to predict the effect of missense changes on protein structure and function are either unavailable or do not agree on the potential impact of this missense change (SIFT: "Not Available"; PolyPhen-2: "Benign"; Align-GVGD: "Not Available").